The following is an entry in ClinVar:

ClinVar aggregate classification (germline): Uncertain significance (1 of 4 stars; one submission).

Conditions:
Gastrointestinal stromal tumor. Also called: Gastrointestinal stroma tumor; Gastrointestinal stromal tumor, somatic. Identifiers: Orphanet 44890, MedGen C0238198, MeSH D046152, MONDO:0011719, OMIM 606764, HP:0100723.

Submission:

Labcorp Genetics (formerly Invitae), Labcorp
Classification: Uncertain significance for Gastrointestinal stromal tumor. Last evaluated: 2017-08-29. Review status: criteria provided, single submitter. Criteria: Invitae Variant Classification Sherloc (09022015). Collection method: clinical testing. Allele origin: germline.
Comment: In summary, the available evidence is currently insufficient to determine the role of this variant in disease. Therefore, it has been classified as a Variant of Uncertain Significance. Algorithms developed to predict the effect of missense changes on protein structure and function (SIFT, PolyPhen-2, Align-GVGD) all suggest that this variant is likely to be tolerated, but these predictions have not been confirmed by published functional studies and their clinical significance is uncertain. This variant has not been reported in the literature in individuals with KIT-related disease. This variant is not present in population databases (ExAC no frequency). This sequence change replaces methionine with isoleucine at codon 351 of the KIT protein (p.Met351Ile). The methionine residue is moderately conserved and there is a small physicochemical difference between methionine and isoleucine.

NM_000222.3(KIT):c.1053G>A (p.Met351Ile)

Gene: KIT (KIT proto-oncogene, receptor tyrosine kinase; plus strand). Cytogenetic location: 4q12.
Variant type: single nucleotide variant.
Coding change: c.1053G>A on transcript NM_000222.3 (MANE Select); coding-DNA position 1053, G replaced by A.
Protein change: p.Met351Ile; replaces methionine 351 with isoleucine.
Molecular consequence: missense variant.
Genome position (GRCh38, 1-based): chr4:54,707,225, G>A. VCF-style: chr4-54707225-G-A. GRCh37 (hg19) VCF-style: chr4-55573391-G-A.
Other names: c.1053G>A, p.Met351Ile (NM_001093772.2, NM_001385285.1, NM_001385286.1); c.1056G>A, p.Met352Ile (NM_001385284.1, NM_001385288.1, NM_001385290.1 and 1 more transcripts); short protein forms M351I, M352I.
Identifiers: ClinVar variation 528602 (VCV000528602.9), dbSNP rs1553888790, ClinGen allele CA356901055.